The following is an entry in ClinVar:

NM_001025603.2(RFX5):c.436A>C (p.Ile146Leu)

Gene: RFX5 (regulatory factor X5; minus strand). Cytogenetic location: 1q21.3.
Variant type: single nucleotide variant.
Coding change: c.436A>C on transcript NM_001025603.2 (MANE Select); coding-DNA position 436, A replaced by C.
Protein change: p.Ile146Leu; replaces isoleucine 146 with leucine.
Molecular consequence: missense variant.
Genome position (GRCh38, 1-based): chr1:151,344,454, T>G on the plus strand (A>C on the coding strand, the complement: RFX5 is on the minus strand). VCF-style: chr1-151344454-T-G. GRCh37 (hg19) VCF-style: chr1-151316930-T-G.
Other names: c.436A>C, p.Ile146Leu (NM_000449.4, NM_001379412.1, NM_001379413.1 and 5 more transcripts); c.316A>C, p.Ile106Leu (NM_001379419.1, NM_001379420.1); short protein forms I106L, I146L.
Identifiers: ClinVar variation 2182085 (VCV002182085.4), dbSNP rs752256174, ClinGen allele CA1089840.
Genomic context (GRCh38, chr1:151,344,454, plus strand): 5'-CCAACCTCTCTAGTCAAGGATACTTGGACTGGCCCCGGCCACCAAGCCTTCGAGCTTTGA[T>G]GTCAGGGAAGATCTCTCTGATGATCTTGCCAAAGTTGGCTGTGCTGAGTGGGCGGCAACA-3'
Protein context (NP_001020774.1, residues 136-156): GKIIREIFPD[Ile146Leu]KARRLGGRGQ

ClinVar aggregate classification (germline): Uncertain significance (1 of 4 stars; one submission).

Conditions:
MHC class II deficiency. Also called: Bare lymphocyte syndrome 2; BLS, TYPE II. Identifiers: Orphanet 572, MedGen C5447452, MONDO:0008855.

Allele frequency attached by ClinVar (database versions not stated): gnomAD exomes 0.00001; ExAC 0.00002.
gnomAD v4.1: 6 of 1,614,210 alleles (0.00037%); highest among the groups gnomAD compares: Admixed American, 0.01%; no homozygotes.

Submission:

Labcorp Genetics (formerly Invitae), Labcorp
Classification: Uncertain significance for MHC class II deficiency. Last evaluated: 2023-11-01. Review status: criteria provided, single submitter. Criteria: Invitae Variant Classification Sherloc (09022015). Collection method: clinical testing. Allele origin: germline.
Comment: This sequence change replaces isoleucine, which is neutral and non-polar, with leucine, which is neutral and non-polar, at codon 146 of the RFX5 protein (p.Ile146Leu). This variant is present in population databases (rs752256174, gnomAD 0.01%). This variant has not been reported in the literature in individuals affected with RFX5-related conditions. ClinVar contains an entry for this variant (Variation ID: 2182085). An algorithm developed to predict the effect of missense changes on protein structure and function (PolyPhen-2) suggests that this variant is likely to be disruptive. In summary, the available evidence is currently insufficient to determine the role of this variant in disease. Therefore, it has been classified as a Variant of Uncertain Significance.